The following is an entry in ClinVar:

ClinVar aggregate classification (germline): Benign/Likely benign. Review status: criteria provided, multiple submitters, no conflicts (2 of 4 stars). 2 submissions from 2 submitters: Benign (1); Likely benign (1). Last evaluated 2026-04-01.

Submissions (2):

CeGaT Center for Human Genetics Tuebingen
Classification: Likely benign. Last evaluated: 2026-04-01. Review status: criteria provided, single submitter. Criteria: CeGaT Center For Human Genetics Tuebingen Variant Classification Criteria Version 2. Collection method: clinical testing. Allele origin: germline. Affected: yes. Observed: 1 variant allele.
Comment: SLC18A2: PM2, BS2

Labcorp Genetics (formerly Invitae), Labcorp
Classification: Benign. Last evaluated: 2025-12-30. Review status: criteria provided, single submitter. Criteria: Invitae Variant Classification Sherloc (09022015). Collection method: clinical testing. Allele origin: germline.

NM_003054.6(SLC18A2):c.203_204delinsTG (p.Thr68Met)

Gene: SLC18A2 (solute carrier family 18 member A2; plus strand). Cytogenetic location: 10q25.3.
Variant type: Indel.
Coding change: c.203_204delinsTG on transcript NM_003054.6 (MANE Select); coding-DNA positions 203 to 204, CT replaced by TG.
Protein change: p.Thr68Met; replaces threonine 68 with methionine.
Molecular consequence: missense variant.
Genome position (GRCh38, 1-based): chr10:117,244,052-117,244,053, CT replaced by TG. VCF-style: chr10-117244052-CT-TG. GRCh37 (hg19) VCF-style: chr10-119003563-CT-TG.
Other names: short protein forms T68M.
Identifiers: ClinVar variation 1598816 (VCV001598816.10), dbSNP rs2133725765, ClinGen allele CA2573145576.
Genomic context (GRCh38, chr10:117,244,052, plus strand): 5'-TGTACAGCATTAAGCATGAGAAGAATGCTACAGAAATCCAGACGGCCAGGCCAGTGCACA[CT>TG]GCCTCCATCTCAGACAGCTTCCAGAGCATCTTCTCCTATTATGATAACTCGACTATGGTC-3'
Protein context (NP_003045.2, residues 58-78): TEIQTARPVH[Thr68Met]ASISDSFQSI